The following is an entry in ClinVar:

ClinVar aggregate classification (germline): Likely benign (1 of 4 stars; one submission).

gnomAD v4.1: 41 of 1,614,048 alleles (0.0025%); highest among the groups gnomAD compares: South Asian, 0.016%; no homozygotes.

Submission:

CeGaT Center for Human Genetics Tuebingen
Classification: Likely benign. Last evaluated: 2026-08-01. Review status: criteria provided, single submitter. Criteria: CeGaT Center For Human Genetics Tuebingen Variant Classification Criteria Version 2. Collection method: clinical testing. Allele origin: germline. Affected: yes. Observed: 1 variant allele.
Comment: MDGA2: BP4, BP7

NM_001113498.3(MDGA2):c.1962G>A (p.Thr654=)

Gene: MDGA2 (MAM domain containing glycosylphosphatidylinositol anchor 2; minus strand). Cytogenetic location: 14q21.3.
Variant type: single nucleotide variant.
Coding change: c.1962G>A on transcript NM_001113498.3 (MANE Select); coding-DNA position 1962, G replaced by A.
Protein change: p.Thr654=; no amino-acid change (threonine 654 retained).
Molecular consequence: synonymous variant.
Genome position (GRCh38, 1-based): chr14:46,957,501, C>T on the plus strand (G>A on the coding strand, the complement: MDGA2 is on the minus strand). VCF-style: chr14-46957501-C-T. GRCh37 (hg19) VCF-style: chr14-47426704-C-T.
Other names: c.1068G>A, p.Thr356= (NM_182830.4).
Identifiers: ClinVar variation 5039113 (VCV005039113.1).
Genomic context (GRCh38, chr14:46,957,501, plus strand): 5'-GTTTTCATTGGAAAGACTCTTCACAGCGTACTCTGTGTATTCCTGAGAGTCAAATTGACC[C>T]GTCCGTAATAATTTATTGCCCAAGCGCCACTCATAGGTCAGCACCCGTATTGGATAGGCT-3'
Protein context (NP_001106970.4, residues 644-664): EWRLGNKLLR[Thr654=]GQFDSQEYTE